The following is an entry in ClinVar:

ClinVar aggregate classification (germline): Pathogenic/Likely pathogenic. Review status: criteria provided, multiple submitters, no conflicts (2 of 4 stars). 2 submissions from 2 submitters: Pathogenic (1); Likely pathogenic (1). Last evaluated 2025-07-16.

Conditions:
Bifunctional peroxisomal enzyme deficiency (DBIF). Also called: DBP DEFICIENCY; PBFE DEFICIENCY; D-bifunctional protein deficiency. Identifiers: Orphanet 300, MedGen C0342870, MONDO:0009855, OMIM 261515. Disease mechanism: loss of function.
Perrault syndrome. Also called: Gonadal dysgenesis with auditory dysfunction, autosomal recessive inheritance. Identifiers: Orphanet 2855, MedGen C0685838, MONDO:0017312.

Submissions (2):

Natera, Inc.
Classification: Likely pathogenic for Bifunctional peroxisomal enzyme deficiency. Last evaluated: 2025-07-16. Review status: criteria provided, single submitter. Criteria: Natera Variant Classification Schema (03/2026). Collection method: clinical testing. Allele origin: germline.
Comment: The c.627del variant in HSD17B4 is a frameshift variant predicted to shift the reading frame beginning at codon 210 and leads to a stop codon 4 codons downstream. This variant is expected to result in nonsense mediated decay, truncation, or a dysfunctional protein product. This variant is rare in the general population with a frequency below the threshold expected for the associated phenotype(s). Given the available evidence, this variant is classified as Likely Pathogenic.

Labcorp Genetics (formerly Invitae), Labcorp
Classification: Pathogenic for Perrault syndrome; Bifunctional peroxisomal enzyme deficiency. Last evaluated: 2024-03-09. Review status: criteria provided, single submitter. Criteria: Invitae Variant Classification Sherloc (09022015). Collection method: clinical testing. Allele origin: germline.
Comment: This sequence change creates a premature translational stop signal (p.Val210Trpfs*4) in the HSD17B4 gene. It is expected to result in an absent or disrupted protein product. Loss-of-function variants in HSD17B4 are known to be pathogenic (PMID: 11810648, 16385454, 20673864). This variant is not present in population databases (gnomAD no frequency). This variant has not been reported in the literature in individuals affected with HSD17B4-related conditions. For these reasons, this variant has been classified as Pathogenic.

Literature cited by the submitters: PubMed 11810648 (cited by Labcorp Genetics (formerly Invitae), Labcorp); PubMed 16385454 (cited by Labcorp Genetics (formerly Invitae), Labcorp); PubMed 20673864 (cited by Labcorp Genetics (formerly Invitae), Labcorp).

NM_000414.4(HSD17B4):c.627del (p.Val210fs)

Gene: HSD17B4 (hydroxysteroid 17-beta dehydrogenase 4; plus strand). Cytogenetic location: 5q23.1.
Variant type: Deletion.
Coding change: c.627del on transcript NM_000414.4 (MANE Select); coding-DNA position 627, one base deleted (T; older notation c.627delT).
Protein change: p.Val210fs; shifts the reading frame from valine 210.
Molecular consequence: frameshift variant. On other transcripts: non-coding transcript variant (2).
Genome position (GRCh38, 1-based): chr5:119,489,196, T deleted; the last of 2 consecutive T bases (chr5:119,489,195-119,489,196); deleting either gives the same sequence. VCF-style (leftmost placement, unchanged base first): chr5-119489194-CT-C. GRCh37 (hg19) VCF-style: chr5-118824889-CT-C.
Other names: c.627del (NM_000414.3); c.702del, p.Val235fs (NM_001199291.3); c.573del, p.Val192fs (NM_001199292.2); c.555del, p.Val186fs (NM_001292027.2); c.207del, p.Val70fs (NM_001292028.2); c.618del, p.Val207fs (NM_001374497.1); c.627del, p.Val210fs (NM_001374498.1); c.300del, p.Val101fs (NM_001374499.1); and 2 more; short protein forms V101fs, V186fs, V192fs, V207fs, V210fs, V235fs, V63fs, V70fs.
Identifiers: ClinVar variation 3754508 (VCV003754508.3).